The following is an entry in ClinVar:

ClinVar aggregate classification (germline): Benign/Likely benign. Review status: criteria provided, multiple submitters, no conflicts (2 of 4 stars). 4 submissions from 4 submitters: Benign (2); Likely benign (2). Last evaluated 2025-12-30.

Conditions:
Imerslund-Grasbeck syndrome. Also called: Megaloblastic anemia due to inborn errors of metabolism; Imerslund-Gräsbeck syndrome; ENTEROCYTE COBALAMIN MALABSORPTION; ENTEROCYTE INTRINSIC FACTOR RECEPTOR, DEFECT OF; PERNICIOUS ANEMIA, JUVENILE, DUE TO SELECTIVE INTESTINAL MALABSORPTION OF VITAMIN B12, WITH PROTEINURIA. Identifiers: Orphanet 35858, MedGen C4551825, MONDO:0009853.
Imerslund-Grasbeck syndrome type 1 (IGS1). Also called: Megaloblastic anemia 1, Finnish type; MEGALOBLASTIC ANEMIA, 1; Imerslund-Gräsbeck syndrome 1. Identifiers: MedGen C4016819, MONDO:0100156, OMIM 261100.

Allele frequency attached by ClinVar (database versions not stated): 1000 Genomes Project 30x 0.00734; gnomAD exomes 0.00132 and 0.00051; gnomAD 0.00522 and 0.00561; ExAC 0.00176; ESP Exome Variant Server 0.00554; TOPMed 0.00591; 1000 Genomes Project 0.00639.
gnomAD v4.1: 1,559 of 1,613,624 alleles (0.097%); highest among the groups gnomAD compares: African/African-American, 1.9%; 14 homozygotes.

Submissions (4):

Labcorp Genetics (formerly Invitae), Labcorp
Classification: Benign for Imerslund-Grasbeck syndrome. Last evaluated: 2025-12-30. Review status: criteria provided, single submitter. Criteria: Invitae Variant Classification Sherloc (09022015). Collection method: clinical testing. Allele origin: germline.

GeneDx
Classification: Likely benign. Last evaluated: 2021-02-17. Review status: criteria provided, single submitter. Criteria: GeneDx Variant Classification Process June 2021. Collection method: clinical testing. Allele origin: germline. Affected: yes.

Illumina Laboratory Services, Illumina
Classification: Benign for Imerslund-Grasbeck syndrome type 1. Last evaluated: 2018-01-12. Review status: criteria provided, single submitter. Criteria: ICSL Variant Classification Criteria 13 December 2019. Collection method: clinical testing. Allele origin: germline.
Comment: This variant was observed in the ICSL laboratory as part of a predisposition screen in an ostensibly healthy population. It had not been previously curated by ICSL or reported in the Human Gene Mutation Database (HGMD: prior to June 1st, 2018), and was therefore a candidate for classification through an automated scoring system. Utilizing variant allele frequency, disease prevalence and penetrance estimates, and inheritance mode, an automated score was calculated to assess if this variant is too frequent to cause the disease. Based on the score and internal cut-off values, a variant classified as benign is not then subjected to further curation. The score for this variant resulted in a classification of benign for this disease.

Breakthrough Genomics
Classification: Likely benign. Review status: criteria provided, single submitter. Criteria: ACMG Guidelines, 2015. Collection method: not provided. Allele origin: germline. Inheritance: Autosomal recessive inheritance. Affected: yes.

NM_001081.4(CUBN):c.3752G>C (p.Ser1251Thr)

Gene: CUBN (cubilin; minus strand). Cytogenetic location: 10p13.
Variant type: single nucleotide variant.
Coding change: c.3752G>C on transcript NM_001081.4 (MANE Select); coding-DNA position 3752, G replaced by C.
Protein change: p.Ser1251Thr; replaces serine 1251 with threonine.
Molecular consequence: missense variant.
Genome position (GRCh38, 1-based): chr10:17,043,904, C>G on the plus strand (G>C on the coding strand, the complement: CUBN is on the minus strand). VCF-style: chr10-17043904-C-G. GRCh37 (hg19) VCF-style: chr10-17085903-C-G.
Other names: short protein forms S1251T.
Identifiers: ClinVar variation 299486 (VCV000299486.17), dbSNP rs115048360, ClinGen allele CA5424576.